The following is an entry in ClinVar:

ClinVar aggregate classification (germline): Uncertain significance (1 of 4 stars; one submission).

Submission:

GeneDx
Classification: Uncertain significance. Last evaluated: 2024-06-07. Review status: criteria provided, single submitter. Criteria: GeneDx Variant Classification Process June 2021. Collection method: clinical testing. Allele origin: germline. Affected: yes.
Comment: Not observed at significant frequency in large population cohorts (gnomAD); In silico analysis indicates that this missense variant does not alter protein structure/function; Has not been previously published as pathogenic or benign to our knowledge

NM_002547.3(OPHN1):c.287A>T (p.Glu96Val)

Gene: OPHN1 (oligophrenin 1; minus strand). Cytogenetic location: Xq12.
Variant type: single nucleotide variant.
Coding change: c.287A>T on transcript NM_002547.3 (MANE Select); coding-DNA position 287, A replaced by T.
Protein change: p.Glu96Val; replaces glutamic acid 96 with valine.
Molecular consequence: missense variant.
Genome position (GRCh38, 1-based): chrX:68,283,081, T>A on the plus strand (A>T on the coding strand, the complement: OPHN1 is on the minus strand). VCF-style: chrX-68283081-T-A. GRCh37 (hg19) VCF-style: chrX-67502923-T-A.
Other names: short protein forms E96V.
Identifiers: ClinVar variation 1311768 (VCV001311768.3), dbSNP rs2147605593, ClinGen allele CA413434838.